The following is an entry in ClinVar:

ClinVar aggregate classification (germline): Uncertain significance (1 of 4 stars; one submission).

Submission:

Labcorp Genetics (formerly Invitae), Labcorp
Classification: Uncertain significance. Last evaluated: 2022-08-20. Review status: criteria provided, single submitter. Criteria: Invitae Variant Classification Sherloc (09022015). Collection method: clinical testing. Allele origin: germline.
Comment: This sequence change replaces isoleucine, which is neutral and non-polar, with asparagine, which is neutral and polar, at codon 69 of the ANO6 protein (p.Ile69Asn). This variant is not present in population databases (gnomAD no frequency). This variant has not been reported in the literature in individuals affected with ANO6-related conditions. Advanced modeling of protein sequence and biophysical properties (such as structural, functional, and spatial information, amino acid conservation, physicochemical variation, residue mobility, and thermodynamic stability) performed at Invitae indicates that this missense variant is expected to disrupt ANO6 protein function. In summary, the available evidence is currently insufficient to determine the role of this variant in disease. Therefore, it has been classified as a Variant of Uncertain Significance.

NM_001025356.3(ANO6):c.206T>A (p.Ile69Asn)

Gene: ANO6 (anoctamin 6; plus strand). Cytogenetic location: 12q12.
Variant type: single nucleotide variant.
Coding change: c.206T>A on transcript NM_001025356.3 (MANE Select); coding-DNA position 206, T replaced by A.
Protein change: p.Ile69Asn; replaces isoleucine 69 with asparagine.
Molecular consequence: missense variant.
Genome position (GRCh38, 1-based): chr12:45,331,350, T>A. VCF-style: chr12-45331350-T-A. GRCh37 (hg19) VCF-style: chr12-45725133-T-A.
Other names: c.152T>A, p.Ile51Asn (NM_001142678.2); c.206T>A, p.Ile69Asn (NM_001142679.2); c.269T>A, p.Ile90Asn (NM_001204803.2); c.173T>A, p.Ile58Asn (NM_001410973.1); short protein forms I51N, I58N, I69N, I90N.
Identifiers: ClinVar variation 1717081 (VCV001717081.5), dbSNP rs2547450795, ClinGen allele CA384457176.
Genomic context (GRCh38, chr12:45,331,350, plus strand): 5'-CACAGGAAGAATTTAATGGAAAACCTGACTCCCTCTTTTTTAATGATGGCCAGCGAAGAA[T>A]TGACTTTGTTCTAGTATATGAGGATGAAAGCAGAAAAGAGACCAATAAAAAGGGTACAAA-3'
Protein context (NP_001020527.2, residues 59-79): SLFFNDGQRR[Ile69Asn]DFVLVYEDES